The following is an entry in ClinVar:

NM_000059.4(BRCA2):c.6141T>G (p.Tyr2047Ter)

Gene: BRCA2 (BRCA2 DNA repair associated; plus strand). Cytogenetic location: 13q13.1.
Variant type: single nucleotide variant.
Coding change: c.6141T>G on transcript NM_000059.4 (MANE Select); coding-DNA position 6141, T replaced by G.
Protein change: p.Tyr2047Ter; replaces tyrosine 2047 with a stop codon.
Molecular consequence: nonsense.
Genome position (GRCh38, 1-based): chr13:32,340,496, T>G. VCF-style: chr13-32340496-T-G. GRCh37 (hg19) VCF-style: chr13-32914633-T-G.
Other names: short protein forms Y2047*.
Identifiers: ClinVar variation 619641 (VCV000619641.13), dbSNP rs1466688245, ClinGen allele CA387788246.

ClinVar aggregate classification (germline): Pathogenic. Review status: criteria provided, multiple submitters, no conflicts (2 of 4 stars). 4 submissions from 4 submitters: Pathogenic (4). Last evaluated 2025-11-14.

Conditions:
Hereditary breast ovarian cancer syndrome. Also called: Hereditary breast and ovarian cancer; Hereditary breast and ovarian cancer syndrome (HBOC); Breast and ovarian cancer; BRCA1- and BRCA2-Associated Hereditary Breast and Ovarian Cancer; Hereditary breast and/or ovarian cancer syndrome; Hereditary breast and ovarian cancer syndrome. Identifiers: Orphanet 145, MedGen C0677776, MeSH D061325, MONDO:0003582. Disease mechanism: loss of function.
Hereditary cancer-predisposing syndrome. Also called: Neoplastic Syndromes, Hereditary; Hereditary neoplastic syndrome; Tumor predisposition; Hereditary Cancer Syndrome. Identifiers: Orphanet 140162, MedGen C0027672, MeSH D009386, MONDO:0015356.

Allele frequency attached by ClinVar (database versions not stated): TOPMed below 0.00001.

Submissions (4):

Ambry Genetics
Classification: Pathogenic for Hereditary cancer-predisposing syndrome. Last evaluated: 2025-11-14. Review status: criteria provided, single submitter. Criteria: Ambry Variant Classification Scheme 2023. Collection method: clinical testing. Allele origin: germline.
Comment: The c.6141T>G (p.Y2047*) alteration, located in exon 11 (coding exon 10) of the BRCA2 gene, consists of a T to G substitution at nucleotide position 6141. This changes the amino acid from a tyrosine (Y) to a stop codon at amino acid position 2047. This alteration is expected to result in loss of function by premature protein truncation or nonsense-mediated mRNA decay. This variant was not reported in population-based cohorts in the Genome Aggregation Database (gnomAD). This variant was observed in a cohort of Japanese individuals undergoing BRCA1/2 testing (Arai, 2017). Based on the available evidence, this alteration is classified as pathogenic.

Labcorp Genetics (formerly Invitae), Labcorp
Classification: Pathogenic for Hereditary breast ovarian cancer syndrome. Last evaluated: 2024-12-12. Review status: criteria provided, single submitter. Criteria: Invitae Variant Classification Sherloc (09022015). Collection method: clinical testing. Allele origin: germline.
Comment: This sequence change creates a premature translational stop signal (p.Tyr2047*) in the BRCA2 gene. It is expected to result in an absent or disrupted protein product. Loss-of-function variants in BRCA2 are known to be pathogenic (PMID: 20104584). This variant is not present in population databases (gnomAD no frequency). This premature translational stop signal has been observed in individual(s) with breast and ovarian cancer (PMID: 26852015, 29176636). ClinVar contains an entry for this variant (Variation ID: 619641). For these reasons, this variant has been classified as Pathogenic.

Women's Health and Genetics/Laboratory Corporation of America, LabCorp
Classification: Pathogenic for Hereditary breast and ovarian cancer syndrome. Last evaluated: 2019-12-23. Review status: criteria provided, single submitter. Criteria: LabCorp Variant Classification Summary - May 2015. Collection method: clinical testing. Allele origin: germline.
Comment: Variant summary: BRCA2 c.6141T>G (p.Tyr2047X) results in a premature termination codon, predicted to cause a truncation of the encoded protein or absence of the protein due to nonsense mediated decay, which are commonly known mechanisms for disease. Truncations downstream of this position have been classified as pathogenic by our laboratory. The variant was absent in 250936 control chromosomes. c.6141T>G has been reported in the literature in at-least one Japanese individual affected with Hereditary Breast and Ovarian Cancer (Arai_2018). To our knowledge, no experimental evidence demonstrating an impact on protein function has been reported. One clinical diagnostic laboratory has submitted clinical-significance assessments for this variant to ClinVar after 2014 without evidence for independent evaluation. One laboratory classified the variant as pathogenic. Based on the evidence outlined above, the variant was classified as pathogenic.

Quest Diagnostics Nichols Institute San Juan Capistrano
Classification: Pathogenic. Last evaluated: 2018-05-04. Review status: criteria provided, single submitter. Criteria: Quest Diagnostics criteria. Collection method: clinical testing. Allele origin: germline.

Literature cited by the submitters: PubMed 29176636 (cited by 3 submitters); PubMed 20104584 (cited by Labcorp Genetics (formerly Invitae), Labcorp); PubMed 26852015 (cited by Labcorp Genetics (formerly Invitae), Labcorp and Women's Health and Genetics/Laboratory Corporation of America, LabCorp).